The following is an entry in ClinVar:

ClinVar aggregate classification (germline): Uncertain significance. Review status: criteria provided, multiple submitters, no conflicts (2 of 4 stars). 2 submissions from 2 submitters: Uncertain significance (2). Last evaluated 2025-04-01.

Conditions:
Inborn genetic diseases. Identifiers: MedGen C0950123, MeSH D030342.

Allele frequency attached by ClinVar (database versions not stated): TOPMed below 0.00001; gnomAD 0.00001; gnomAD exomes 0.00001.
gnomAD v4.1: 9 of 1,614,104 alleles (0.00056%); highest among the groups gnomAD compares: Non-Finnish European, 0.00076%; no homozygotes.

Submissions (2):

Ambry Genetics
Classification: Uncertain significance for Inborn genetic diseases. Last evaluated: 2025-04-01. Review status: criteria provided, single submitter. Criteria: Ambry Variant Classification Scheme 2023. Collection method: clinical testing. Allele origin: germline.

Labcorp Genetics (formerly Invitae), Labcorp
Classification: Uncertain significance. Last evaluated: 2023-07-21. Review status: criteria provided, single submitter. Criteria: Invitae Variant Classification Sherloc (09022015). Collection method: clinical testing. Allele origin: germline.
Comment: In summary, the available evidence is currently insufficient to determine the role of this variant in disease. Therefore, it has been classified as a Variant of Uncertain Significance. Algorithms developed to predict the effect of missense changes on protein structure and function output the following: SIFT: "Not Available"; PolyPhen-2: "Probably Damaging"; Align-GVGD: "Not Available". The asparagine amino acid residue is found in multiple mammalian species, which suggests that this missense change does not adversely affect protein function. ClinVar contains an entry for this variant (Variation ID: 1934501). This variant has not been reported in the literature in individuals affected with ILDR1-related conditions. This variant is not present in population databases (gnomAD no frequency). This sequence change replaces aspartic acid, which is acidic and polar, with asparagine, which is neutral and polar, at codon 396 of the ILDR1 protein (p.Asp396Asn).

NM_001199799.2(ILDR1):c.1186G>A (p.Asp396Asn)

Gene: ILDR1 (immunoglobulin like domain containing receptor 1; minus strand). Cytogenetic location: 3q13.33.
Variant type: single nucleotide variant.
Coding change: c.1186G>A on transcript NM_001199799.2 (MANE Select); coding-DNA position 1186, G replaced by A.
Protein change: p.Asp396Asn; replaces aspartic acid 396 with asparagine.
Molecular consequence: missense variant.
Genome position (GRCh38, 1-based): chr3:121,993,563, C>T on the plus strand (G>A on the coding strand, the complement: ILDR1 is on the minus strand). VCF-style: chr3-121993563-C-T. GRCh37 (hg19) VCF-style: chr3-121712410-C-T.
Other names: c.919G>A, p.Asp307Asn (NM_001199800.2); c.1054G>A, p.Asp352Asn (NM_175924.4); c.1186G>A (NM_001199799.1); short protein forms D352N, D396N, D307N.
Identifiers: ClinVar variation 1934501 (VCV001934501.6), dbSNP rs1288021402, ClinGen allele CA354143453.